The following is an entry in ClinVar:

NM_000257.4(MYH7):c.4520-12T>C

Genes: MHRT (myosin heavy chain associated RNA transcript; plus strand), MYH7 (myosin heavy chain 7; minus strand). Cytogenetic location: 14q11.2.
Variant type: single nucleotide variant.
Coding change: c.4520-12T>C on transcript NM_000257.4 (MANE Select); 12 bases into the intron before coding-DNA position 4520, T replaced by C.
Molecular consequence: intron variant. On other transcripts: non-coding transcript variant (1).
Genome position (GRCh38, 1-based): chr14:23,417,004, A>G on the plus strand (T>C on the coding strand, the complement: MYH7 is on the minus strand). VCF-style: chr14-23417004-A-G. GRCh37 (hg19) VCF-style: chr14-23886213-A-G.
Other names: c.4520-12T>C (NM_001407004.1).
Identifiers: ClinVar variation 2990574 (VCV002990574.4), dbSNP rs745617220, ClinGen allele CA042606.

ClinVar aggregate classification (germline): Likely benign. Review status: criteria provided, multiple submitters, no conflicts (2 of 4 stars). 2 submissions from 2 submitters: Likely benign (2). Last evaluated 2024-04-16.

Conditions:
Hypertrophic cardiomyopathy. Also called: HYPERTROPHIC MYOCARDIOPATHY. Identifiers: Orphanet 217569, MedGen C0007194, MeSH D002312, MONDO:0005045, HP:0001639.
Cardiomyopathy (CMYO). Also called: Cardiomyopathies. Identifiers: Orphanet 167848, MedGen C0878544, MONDO:0004994, HP:0001638. Inheritance: Various modes of inheritance.

Allele frequency attached by ClinVar (database versions not stated): ExAC 0.00001; gnomAD exomes 0.00001.
gnomAD v4.1: 10 of 1,614,214 alleles (0.00062%); highest among the groups gnomAD compares: Non-Finnish European, 0.00085%; no homozygotes.

Submissions (2):

All of Us Research Program, National Institutes of Health
Classification: Likely benign for Cardiomyopathy. Last evaluated: 2024-04-16. Review status: criteria provided, single submitter. Criteria: ACMG Guidelines, 2015. Collection method: clinical testing. Allele origin: germline. Inheritance: Autosomal dominant inheritance. Observed: 1 variant allele, 1 heterozygote.
Comment: This study involves interpretation of variants in research participants for the purpose of population health screening. Participant phenotype was not available at the time of variant classification. Additional details can be found in publication PMID: 35346344, PMCID: PMC8962531

Labcorp Genetics (formerly Invitae), Labcorp
Classification: Likely benign for Hypertrophic cardiomyopathy. Last evaluated: 2023-05-24. Review status: criteria provided, single submitter. Criteria: Invitae Variant Classification Sherloc (09022015). Collection method: clinical testing. Allele origin: germline.